The following is an entry in ClinVar:

NM_005687.5(FARSB):c.33C>G (p.Leu11=)

Gene: FARSB (phenylalanyl-tRNA synthetase subunit beta; minus strand). Cytogenetic location: 2q36.1.
Variant type: single nucleotide variant.
Coding change: c.33C>G on transcript NM_005687.5 (MANE Select); coding-DNA position 33, C replaced by G.
Protein change: p.Leu11=; no amino-acid change (leucine 11 retained).
Molecular consequence: synonymous variant. On other transcripts: non-coding transcript variant (1).
Genome position (GRCh38, 1-based): chr2:222,656,041, G>C on the plus strand (C>G on the coding strand, the complement: FARSB is on the minus strand). VCF-style: chr2-222656041-G-C. GRCh37 (hg19) VCF-style: chr2-223520760-G-C.
Identifiers: ClinVar variation 2651944 (VCV002651944.24), dbSNP rs1692167467, ClinGen allele CA431477702.
Genomic context (GRCh38, chr2:222,656,041, plus strand): 5'-AGGCGTAGGGCCCAACGTATAGGGCCGCCACTCACTGTAGGTGCGGCCCAGGGCTTGGAA[G>C]AGCAGATCACGCTTCACGCTGACAGTCGGCATGGTGTGTCGAACTCACTGCGCCTGCGCA-3'
Protein context (NP_005678.3, residues 1-21): MPTVSVKRDL[Leu11=]FQALGRTYTD

ClinVar aggregate classification (germline): Likely benign (1 of 4 stars; one submission).

Submission:

CeGaT Center for Human Genetics Tuebingen
Classification: Likely benign. Last evaluated: 2025-12-01. Review status: criteria provided, single submitter. Criteria: CeGaT Center For Human Genetics Tuebingen Variant Classification Criteria Version 2. Collection method: clinical testing. Allele origin: germline. Affected: yes. Observed: 2 variant alleles.
Comment: FARSB: PM2:Supporting, BP4, BP7